The following is an entry in ClinVar:

ClinVar aggregate classification (germline): Likely benign. Review status: criteria provided, multiple submitters, no conflicts (2 of 4 stars). 2 submissions from 2 submitters: Likely benign (2). Last evaluated 2025-09-14.

Conditions:
Mowat-Wilson syndrome (MOWS). Also called: Classic Mowat-Wilson Syndrome. Identifiers: Orphanet 2152, MedGen C1856113, MONDO:0009341, OMIM 235730.

Submissions (2):

Labcorp Genetics (formerly Invitae), Labcorp
Classification: Likely benign for Mowat-Wilson syndrome. Last evaluated: 2025-09-14. Review status: criteria provided, single submitter. Criteria: Invitae Variant Classification Sherloc (09022015). Collection method: clinical testing. Allele origin: germline.

GeneDx
Classification: Likely benign. Last evaluated: 2016-04-29. Review status: criteria provided, single submitter. Criteria: GeneDx Variant Classification (06012015). Collection method: clinical testing. Allele origin: germline. Affected: yes.
Comment: This variant is considered likely benign or benign based on one or more of the following criteria: it is a conservative change, it occurs at a poorly conserved position in the protein, it is predicted to be benign by multiple in silico algorithms, and/or has population frequency not consistent with disease.

NM_014795.4(ZEB2):c.3153C>T (p.Gly1051=)

Gene: ZEB2 (zinc finger E-box binding homeobox 2; minus strand). Cytogenetic location: 2q22.3.
Variant type: single nucleotide variant.
Coding change: c.3153C>T on transcript NM_014795.4 (MANE Select); coding-DNA position 3153, C replaced by T.
Protein change: p.Gly1051=; no amino-acid change (glycine 1051 retained).
Molecular consequence: synonymous variant.
Genome position (GRCh38, 1-based): chr2:144,389,943, G>A on the plus strand (C>T on the coding strand, the complement: ZEB2 is on the minus strand). VCF-style: chr2-144389943-G-A. GRCh37 (hg19) VCF-style: chr2-145147510-G-A.
Other names: c.3081C>T, p.Gly1027= (NM_001171653.2).
Identifiers: ClinVar variation 385673 (VCV000385673.6), dbSNP rs1057522295, ClinGen allele CA16603874.